The following is an entry in ClinVar:

ClinVar aggregate classification (germline): Pathogenic. Review status: reviewed by expert panel (3 of 4 stars). 2 submissions from 2 submitters: Pathogenic (1). 1 of the submissions does not count toward it. Last evaluated 2016-10-18.

Conditions:
Breast-ovarian cancer, familial, susceptibility to, 1 (BROVCA1). Also called: BRCA1 Hereditary Breast and Ovarian Cancer; OVARIAN CANCER, SUSCEPTIBILITY TO. Identifiers: Orphanet 145, MedGen C2676676, MONDO:0011450, OMIM 604370. Disease mechanism: loss of function.

Submissions (2):

Evidence-based Network for the Interpretation of Germline Mutant Alleles (ENIGMA)
Classification: Pathogenic for Breast-ovarian cancer, familial, susceptibility to, 1. Last evaluated: 2016-10-18. Review status: reviewed by expert panel. Criteria: ENIGMA BRCA1/2 Classification Criteria (2015). Collection method: curation. Allele origin: germline.
Comment: Variant allele predicted to encode a truncated non-functional protein.

Consortium of Investigators of Modifiers of BRCA1/2 (CIMBA), c/o University of Cambridge
Classification: Pathogenic for Breast-ovarian cancer, familial, susceptibility to, 1. Last evaluated: 2015-10-02. Review status: criteria provided, single submitter. Criteria: CIMBA Mutation Classification guidelines May 2016. Collection method: clinical testing. Allele origin: germline. Not counted in ClinVar's aggregate classification.

NM_007294.4(BRCA1):c.4342dup (p.Ser1448fs)

Gene: BRCA1 (BRCA1 DNA repair associated; minus strand). Cytogenetic location: 17q21.31.
Variant type: Duplication.
Coding change: c.4342dup on transcript NM_007294.4 (MANE Select); coding-DNA position 4342, one base duplicated (A; older notation c.4342dupA).
Protein change: p.Ser1448fs; shifts the reading frame from serine 1448.
Molecular consequence: frameshift variant. On other transcripts: non-coding transcript variant (1).
Genome position (GRCh38, 1-based): chr17:43,082,419, T duplicated on the plus strand (A on the coding strand, the reverse complement: BRCA1 is on the minus strand); the first of 3 consecutive T bases (chr17:43,082,419-43,082,421); duplicating any one gives the same sequence. VCF-style (leftmost placement, unchanged base first): chr17-43082418-C-CT. GRCh37 (hg19) VCF-style: chr17-41234435-C-CT.
Other names: 4461insA; c.4342dup, p.Ser1448fs (NM_007294.3, NM_007300.4); c.4127dup, p.Ser1377Lysfs (NM_001407571.1, NM_001407853.1, NM_001407894.1 and 12 more transcripts); c.4340dup, p.Ser1448Lysfs (NM_001407581.1, NM_001407582.1, NM_001407583.1 and 22 more transcripts); c.4337dup, p.Ser1447Lysfs (NM_001407587.1, NM_001407590.1, NM_001407591.1 and 21 more transcripts); c.4334dup, p.Ser1446Lysfs (NM_001407627.1, NM_001407628.1, NM_001407629.1 and 5 more transcripts); c.4328dup, p.Ser1444Lysfs (NM_001407646.1, NM_001407647.1); c.4217dup, p.Ser1407Lysfs (NM_001407648.1, NM_001407664.1, NM_001407665.1 and 13 more transcripts); and 55 more; short protein forms S1448fs, S1401fs, S345fs.
Identifiers: ClinVar variation 266470 (VCV000266470.6), dbSNP rs886040225, ClinGen allele CA10589669.